The following is an entry in ClinVar:

NM_001291303.3(FAT4):c.8862A>G (p.Ile2954Met)

Gene: FAT4 (FAT atypical cadherin 4; plus strand). Cytogenetic location: 4q28.1.
Variant type: single nucleotide variant.
Coding change: c.8862A>G on transcript NM_001291303.3 (MANE Select); coding-DNA position 8862, A replaced by G.
Protein change: p.Ile2954Met; replaces isoleucine 2954 with methionine.
Molecular consequence: missense variant.
Genome position (GRCh38, 1-based): chr4:125,449,872, A>G. VCF-style: chr4-125449872-A-G. GRCh37 (hg19) VCF-style: chr4-126371027-A-G.
Other names: c.8862A>G, p.Ile2954Met (NM_001291285.3); c.8856A>G, p.Ile2952Met (NM_024582.6); c.8856A>G (NM_024582.5, NM_024582.4); short protein forms I2954M, I2952M.
Identifiers: ClinVar variation 2119561 (VCV002119561.6), dbSNP rs770138735, ClinGen allele CA3073437.

ClinVar aggregate classification (germline): Uncertain significance. Review status: criteria provided, multiple submitters, no conflicts (2 of 4 stars). 3 submissions from 3 submitters: Uncertain significance (3). Last evaluated 2025-01-20.

Conditions:
Van Maldergem syndrome 2 (VMLDS2). Identifiers: Orphanet 314679, MedGen C3809875, MONDO:0014242, OMIM 615546.
Hennekam lymphangiectasia-lymphedema syndrome 2 (HKLLS2). Identifiers: Orphanet 2136, MedGen C4014939, MONDO:0014454, OMIM 616006.
Inborn genetic diseases. Identifiers: MedGen C0950123, MeSH D030342.

Allele frequency attached by ClinVar (database versions not stated): ExAC 0.00001; gnomAD exomes 0.00001.
gnomAD v4.1: 8 of 1,613,990 alleles (0.0005%); highest among the groups gnomAD compares: East Asian, 0.016%; no homozygotes.

Submissions (3):

Labcorp Genetics (formerly Invitae), Labcorp
Classification: Uncertain significance. Last evaluated: 2025-01-20. Review status: criteria provided, single submitter. Criteria: Invitae Variant Classification Sherloc (09022015). Collection method: clinical testing. Allele origin: germline.
Comment: This sequence change replaces isoleucine, which is neutral and non-polar, with methionine, which is neutral and non-polar, at codon 2952 of the FAT4 protein (p.Ile2952Met). This variant is present in population databases (rs770138735, gnomAD 0.02%). This variant has not been reported in the literature in individuals affected with FAT4-related conditions. ClinVar contains an entry for this variant (Variation ID: 2119561). Invitae Evidence Modeling of protein sequence and biophysical properties (such as structural, functional, and spatial information, amino acid conservation, physicochemical variation, residue mobility, and thermodynamic stability) indicates that this missense variant is not expected to disrupt FAT4 protein function with a negative predictive value of 95%. In summary, the available evidence is currently insufficient to determine the role of this variant in disease. Therefore, it has been classified as a Variant of Uncertain Significance.

Fulgent Genetics
Classification: Uncertain significance for Van Maldergem syndrome 2; Hennekam lymphangiectasia-lymphedema syndrome 2. Last evaluated: 2024-02-03. Review status: criteria provided, single submitter. Criteria: ACMG Guidelines, 2015. Collection method: clinical testing. Allele origin: germline.

Ambry Genetics
Classification: Uncertain significance for Inborn genetic diseases. Last evaluated: 2023-08-02. Review status: criteria provided, single submitter. Criteria: Ambry Variant Classification Scheme 2023. Collection method: clinical testing. Allele origin: germline.